The following is an entry in ClinVar:

ClinVar aggregate classification (germline): Uncertain significance. Review status: criteria provided, multiple submitters, no conflicts (2 of 4 stars). 2 submissions from 2 submitters: Uncertain significance (2). Last evaluated 2026-07-06.

Conditions:
Hereditary cancer-predisposing syndrome. Also called: Hereditary Cancer Syndrome; Neoplastic Syndromes, Hereditary; Hereditary neoplastic syndrome; Tumor predisposition. Identifiers: Orphanet 140162, MedGen C0027672, MeSH D009386, MONDO:0015356.

Submissions (2):

Ambry Genetics
Classification: Uncertain significance for Hereditary cancer-predisposing syndrome. Last evaluated: 2026-07-06. Review status: criteria provided, single submitter. Criteria: Ambry Variant Classification Scheme 2023. Collection method: clinical testing. Allele origin: germline.
Comment: The p.A156T variant (also known as c.466G>A), located in coding exon 3 of the NTHL1 gene, results from a G to A substitution at nucleotide position 466. The alanine at codon 156 is replaced by threonine, an amino acid with similar properties. This amino acid position is conserved. In addition, this alteration is predicted to be tolerated by in silico analysis. Based on the available evidence, the clinical significance of this variant remains unclear.

Labcorp Genetics (formerly Invitae), Labcorp
Classification: Uncertain significance. Last evaluated: 2025-04-30. Review status: criteria provided, single submitter. Criteria: Invitae Variant Classification Sherloc (09022015). Collection method: clinical testing. Allele origin: germline.
Comment: This sequence change replaces alanine, which is neutral and non-polar, with threonine, which is neutral and polar, at codon 156 of the NTHL1 protein (p.Ala156Thr). This variant is not present in population databases (gnomAD no frequency). This variant has not been reported in the literature in individuals affected with NTHL1-related conditions. ClinVar contains an entry for this variant (Variation ID: 1426259). An algorithm developed to predict the effect of missense changes on protein structure and function (PolyPhen-2) suggests that this variant is likely to be tolerated. In summary, the available evidence is currently insufficient to determine the role of this variant in disease. Therefore, it has been classified as a Variant of Uncertain Significance.

NM_002528.7(NTHL1):c.442G>A (p.Ala148Thr)

Gene: NTHL1 (nth like DNA glycosylase 1; minus strand). Cytogenetic location: 16p13.3.
Variant type: single nucleotide variant.
Coding change: c.442G>A on transcript NM_002528.7 (MANE Select); coding-DNA position 442, G replaced by A.
Protein change: p.Ala148Thr; replaces alanine 148 with threonine.
Molecular consequence: missense variant. On other transcripts: intron variant (1).
Genome position (GRCh38, 1-based): chr16:2,044,713, C>T on the plus strand (G>A on the coding strand, the complement: NTHL1 is on the minus strand). VCF-style: chr16-2044713-C-T. GRCh37 (hg19) VCF-style: chr16-2094714-C-T.
Other names: c.112G>A, p.Ala38Thr (NM_001318194.2); c.355-987G>A (NM_001318193.2); c.466G>A (NM_002528.5); short protein forms A148T, A38T.
Identifiers: ClinVar variation 1426259 (VCV001426259.7), dbSNP rs2150942340, ClinGen allele CA394294318.